The following is an entry in ClinVar:

ClinVar aggregate classification (germline): Uncertain significance (1 of 4 stars; one submission).

Conditions:
Short-rib thoracic dysplasia 11 with or without polydactyly (SRTD11). Also called: SHORT-RIB THORACIC DYSPLASIA 11 WITHOUT POLYDACTYLY. Identifiers: Orphanet 474, Orphanet 93271, MedGen C3810200, MONDO:0014287, OMIM 615633.

Allele frequency attached by ClinVar (database versions not stated): gnomAD exomes 0.00001 and 0.00002; TOPMed 0.00001; ExAC 0.00003.

Submission:

Labcorp Genetics (formerly Invitae), Labcorp
Classification: Uncertain significance for Short-rib thoracic dysplasia 11 with or without polydactyly. Last evaluated: 2022-11-22. Review status: criteria provided, single submitter. Criteria: Invitae Variant Classification Sherloc (09022015). Collection method: clinical testing. Allele origin: germline.
Comment: In summary, the available evidence is currently insufficient to determine the role of this variant in disease. Therefore, it has been classified as a Variant of Uncertain Significance. Algorithms developed to predict the effect of missense changes on protein structure and function are either unavailable or do not agree on the potential impact of this missense change (SIFT: "Deleterious"; PolyPhen-2: "Benign"; Align-GVGD: "Class C65"). ClinVar contains an entry for this variant (Variation ID: 1681188). This variant has not been reported in the literature in individuals affected with WDR34-related conditions. This variant is present in population databases (rs746996134, gnomAD 0.007%). This sequence change replaces serine, which is neutral and polar, with leucine, which is neutral and non-polar, at codon 430 of the WDR34 protein (p.Ser430Leu).

NM_052844.4(DYNC2I2):c.1289C>T (p.Ser430Leu)

Gene: DYNC2I2 (dynein 2 intermediate chain 2; minus strand). Cytogenetic location: 9q34.11.
Variant type: single nucleotide variant.
Coding change: c.1289C>T on transcript NM_052844.4 (MANE Select); coding-DNA position 1289, C replaced by T.
Protein change: p.Ser430Leu; replaces serine 430 with leucine.
Molecular consequence: missense variant.
Genome position (GRCh38, 1-based): chr9:128,634,309, G>A on the plus strand (C>T on the coding strand, the complement: DYNC2I2 is on the minus strand). VCF-style: chr9-128634309-G-A. GRCh37 (hg19) VCF-style: chr9-131396588-G-A.
Other names: short protein forms S430L.
Identifiers: ClinVar variation 1681188 (VCV001681188.5), dbSNP rs746996134, ClinGen allele CA5266275.
Genomic context (GRCh38, chr9:128,634,309, plus strand): 5'-ACCAAGGGCCGCACTGGGGACCAGCGCACAGCAAACAGATACTTGAGGGAGAGCTGCAGC[G>A]AAGTCAAGGGAGGGGCCTGCAGCATGGAGTACAGGTGGACATGCCCGTCAGTCCCAGCGC-3'
Protein context (NP_443076.2, residues 420-440): YSMLQAPPLT[Ser430Leu]LQLSLKYLFA